The following is an entry in ClinVar:

NM_001365536.1(SCN9A):c.3550del (p.Thr1184fs)

Genes: SCN9A (sodium voltage-gated channel alpha subunit 9; minus strand), SCN1A-AS1 (SCN1A and SCN9A antisense RNA 1; plus strand). Cytogenetic location: 2q24.3.
Variant type: Deletion.
Coding change: c.3550del on transcript NM_001365536.1 (MANE Select); coding-DNA position 3550, one base deleted (A; older notation c.3550delA).
Protein change: p.Thr1184fs; shifts the reading frame from threonine 1184.
Molecular consequence: frameshift variant.
Genome position (GRCh38, 1-based): chr2:166,242,579, T deleted on the plus strand (A on the coding strand, the reverse complement: SCN9A is on the minus strand); the first of 4 consecutive T bases (chr2:166,242,579-166,242,582); deleting any one gives the same sequence. VCF-style (leftmost placement, unchanged base first): chr2-166242578-GT-G. GRCh37 (hg19) VCF-style: chr2-167099088-GT-G.
Other names: c.3514delA, p.Thr1173Profs (NM_002977.4); short protein forms T1173fs, T1184fs.
Identifiers: ClinVar variation 1991866 (VCV001991866.4), dbSNP rs2467868574, ClinGen allele CA2580064325.

ClinVar aggregate classification (germline): Pathogenic (1 of 4 stars; one submission).

Conditions:
Neuropathy, hereditary sensory and autonomic, type 2A (HSAN2A). Also called: HSAN IIA; WNK1-Related HSAN2 (HSAN2A); ACROOSTEOLYSIS, GIACCAI TYPE; ACROOSTEOLYSIS, NEUROGENIC; MORVAN DISEASE; NEUROPATHY, CONGENITAL SENSORY. Identifiers: MedGen C2752089, MONDO:0024309, OMIM 201300, Orphanet 970.
Generalized epilepsy with febrile seizures plus, type 7 (GEFSP7). Also called: GEFS+, TYPE 7. Identifiers: Orphanet 36387, MedGen C2751778, MONDO:0013470, OMIM 613863.

Submission:

Labcorp Genetics (formerly Invitae), Labcorp
Classification: Pathogenic for Neuropathy, hereditary sensory and autonomic, type 2A; Generalized epilepsy with febrile seizures plus, type 7. Last evaluated: 2022-04-10. Review status: criteria provided, single submitter. Criteria: Invitae Variant Classification Sherloc (09022015). Collection method: clinical testing. Allele origin: germline.
Comment: For these reasons, this variant has been classified as Pathogenic. This variant has not been reported in the literature in individuals affected with SCN9A-related conditions. This variant is not present in population databases (gnomAD no frequency). This sequence change creates a premature translational stop signal (p.Thr1173Profs*18) in the SCN9A gene. It is expected to result in an absent or disrupted protein product. Loss-of-function variants in SCN9A are known to be pathogenic (PMID: 17470132, 19304393).

Literature cited by the submitters: PubMed 17470132; PubMed 19304393.